The following is an entry in ClinVar:

ClinVar aggregate classification (germline): Conflicting classifications of pathogenicity. Review status: criteria provided, conflicting classifications (1 of 4 stars). 11 submissions from 11 submitters: Uncertain significance (3); Benign (3); Likely benign (2). 3 of the submissions do not count toward it. Last evaluated 2026-07-01.

Conditions:
Autoinflammatory syndrome. Identifiers: Orphanet 93665, MedGen C3890737, MONDO:0019751.
Periodic fever-infantile enterocolitis-autoinflammatory syndrome. Also called: Autoinflammation with infantile enterocolitis. Identifiers: Orphanet 436166, MedGen C4015067, MONDO:0014472, OMIM 616050.
Familial cold autoinflammatory syndrome 4 (FCAS4). Identifiers: Orphanet 47045, Orphanet 576349, MedGen C4015276, MONDO:0014498, OMIM 616115.
NLRC4-related disorder. Also called: NLRC4-related condition.

Allele frequency attached by ClinVar (database versions not stated): 1000 Genomes Project 0.00060; 1000 Genomes Project 30x 0.00078; gnomAD exomes 0.00232; ExAC 0.00239; TOPMed 0.00262; gnomAD 0.00287; ESP Exome Variant Server 0.00331.
gnomAD v4.1: 6,079 of 1,608,440 alleles (0.38%); highest among the groups gnomAD compares: Non-Finnish European, 0.48%; 20 homozygotes.

Submissions (11):

CeGaT Center for Human Genetics Tuebingen
Classification: Benign. Last evaluated: 2026-07-01. Review status: criteria provided, single submitter. Criteria: CeGaT Center For Human Genetics Tuebingen Variant Classification Criteria Version 2. Collection method: clinical testing. Allele origin: germline. Affected: yes. Observed: 14 variant alleles.
Comment: NLRC4: BP4, BS1, BS2

Labcorp Genetics (formerly Invitae), Labcorp
Classification: Benign for Periodic fever-infantile enterocolitis-autoinflammatory syndrome; Familial cold autoinflammatory syndrome 4. Last evaluated: 2026-02-02. Review status: criteria provided, single submitter. Criteria: Invitae Variant Classification Sherloc (09022015). Collection method: clinical testing. Allele origin: germline.

Women's Health and Genetics/Laboratory Corporation of America, LabCorp
Classification: Likely benign. Last evaluated: 2026-01-23. Review status: criteria provided, single submitter. Criteria: LabCorp Variant Classification Summary - May 2015. Collection method: clinical testing. Allele origin: germline.

Center for Genomic Medicine, Rigshospitalet, Copenhagen University Hospital
Classification: Uncertain significance. Last evaluated: 2025-03-04. Review status: criteria provided, single submitter. Criteria: ACMG Guidelines, 2015. Collection method: clinical testing. Allele origin: germline.

Blueprint Genetics
Classification: Likely benign. Last evaluated: 2024-11-19. Review status: criteria provided, single submitter. Criteria: ACMG Guidelines, 2015. Collection method: clinical testing. Allele origin: germline.

Genome Diagnostics Laboratory, The Hospital for Sick Children
Classification: Benign for Autoinflammatory syndrome. Last evaluated: 2022-02-23. Review status: criteria provided, single submitter. Criteria: ACMG Guidelines, 2015. Collection method: clinical testing. Allele origin: germline. Affected: yes.

Mayo Clinic Laboratories, Mayo Clinic
Classification: Uncertain significance for Familial cold autoinflammatory syndrome 4; Periodic fever-infantile enterocolitis-autoinflammatory syndrome. Last evaluated: 2018-02-08. Review status: criteria provided, single submitter. Criteria: ACMG Guidelines, 2015. Collection method: clinical testing. Allele origin: maternal.

Center for Genomics, Ann and Robert H. Lurie Children's Hospital of Chicago
Classification: Uncertain significance for Familial cold autoinflammatory syndrome 4; Periodic fever-infantile enterocolitis-autoinflammatory syndrome. Review status: criteria provided, single submitter. Criteria: ACMG Guidelines, 2015. Collection method: clinical testing. Allele origin: germline.
Comment: NLRC4 NM_021209.4 exon 6 p.Gly786Val (c.2357G>T): This variant has been reported in the literature in at least 1 individual with Presumed Ocular Histoplasmosis Syndrome (POHS) (Li 2020 32707200). This variant is present in 0.4% (288/68040) of European alleles including 3 homozygotes in the Genome Aggregation Database. This variant is present in ClinVar (Variation ID:475252). Evolutionary conservation suggests that this variant may not impact the protein; computational predictive tools for this variant are unclear. In summary, data on this variant is insufficient for disease classification. Therefore, the clinical significance of this variant is uncertain

PreventionGenetics, part of Exact Sciences
Classification: Benign for NLRC4-related condition. Last evaluated: 2019-11-21. Review status: no assertion criteria provided. Collection method: clinical testing. Allele origin: germline. Not counted in ClinVar's aggregate classification.
Comment: This variant is classified as benign based on ACMG/AMP sequence variant interpretation guidelines (Richards et al. 2015 PMID: 25741868, with internal and published modifications).

Clinical Genetics DNA and cytogenetics Diagnostics Lab, Erasmus MC, Erasmus Medical Center
Classification: Likely benign. Review status: no assertion criteria provided. Collection method: clinical testing. Allele origin: germline. Affected: yes. Study: VKGL Data-share Consensus. Not counted in ClinVar's aggregate classification.

Genome Diagnostics Laboratory, University Medical Center Utrecht
Classification: Likely benign. Review status: no assertion criteria provided. Collection method: clinical testing. Allele origin: germline. Affected: yes. Study: VKGL Data-share Consensus. Not counted in ClinVar's aggregate classification.

Literature cited by the submitters: PubMed 25385754 (cited by Center for Genomic Medicine, Rigshospitalet, Copenhagen University Hospital); PubMed 31874111 (cited by Center for Genomic Medicine, Rigshospitalet, Copenhagen University Hospital); PubMed 32707200 (cited by Center for Genomic Medicine, Rigshospitalet, Copenhagen University Hospital).

NM_001199138.2(NLRC4):c.2357G>T (p.Gly786Val)

Gene: NLRC4 (NLR family CARD domain containing 4; minus strand). Cytogenetic location: 2p22.3.
Variant type: single nucleotide variant.
Coding change: c.2357G>T on transcript NM_001199138.2 (MANE Select); coding-DNA position 2357, G replaced by T.
Protein change: p.Gly786Val; replaces glycine 786 with valine.
Molecular consequence: missense variant.
Genome position (GRCh38, 1-based): chr2:32,238,296, C>A on the plus strand (G>T on the coding strand, the complement: NLRC4 is on the minus strand). VCF-style: chr2-32238296-C-A. GRCh37 (hg19) VCF-style: chr2-32463365-C-A.
Other names: c.2357G>T, p.Gly786Val (NM_001199139.2, NM_021209.5); c.362G>T, p.Gly121Val (NM_001302504.2); short protein forms G786V, G121V.
Identifiers: ClinVar variation 475252 (VCV000475252.61), dbSNP rs149451729, ClinGen allele CA1601808.
Genomic context (GRCh38, chr2:32,238,296, plus strand): 5'-TCTCCAATGTCAGACAAGTGGGTCAAATGAAATAAACACATCTTCTTCAGGTTTTTCAGG[C>A]CTTCAGCTGAAAAATGATAGAAAGGAATGCATTAGGATACCAAGTTAATTCGATTTAAGC-3'
Protein context (NP_001186067.1, residues 776-796): NEEDAIKLAE[Gly786Val]LKNLKKMCLF